The following is an entry in ClinVar:

NC_000006.12:g.145384164G>A

Gene: EPM2A (EPM2A glucan phosphatase, laforin; minus strand). Cytogenetic location: 6q24.3.
Variant type: single nucleotide variant.
Genome position: GRCh38 VCF-style: chr6-145384164-G-A. GRCh37 (hg19) VCF-style: chr6-145705300-G-A.
Identifiers: ClinVar variation 3255262 (VCV003255262.2), dbSNP rs1890199.

ClinVar aggregate classification (germline): Benign (1 of 4 stars; one submission).

Allele frequency attached by ClinVar (database versions not stated): 1000 Genomes Project 30x 0.33292; 1000 Genomes Project 0.33586; TOPMed 0.36490; gnomAD 0.37488.

Submission:

Unidad de Genómica Garrahan, Hospital de Pediatría Garrahan
Classification: Benign. Last evaluated: 2024-07-15. Review status: criteria provided, single submitter. Criteria: ACMG Guidelines, 2015. Collection method: clinical testing. Allele origin: germline. Affected: no. Observed: 55 variant alleles.
Comment: This variant is classified as Benign based on local population frequency. This variant was detected in 59% of patients studied in a panel designed for Epileptic and Developmental Encephalopathy and Progressive Myoclonus Epilepsy. Number of patients: 55. Only high quality variants are reported.